The following is an entry in ClinVar:

ClinVar aggregate classification (germline): Uncertain significance. Review status: criteria provided, multiple submitters, no conflicts (2 of 4 stars). 2 submissions from 2 submitters: Uncertain significance (2). Last evaluated 2022-09-22.

Conditions:
ANKRD1-related dilated cardiomyopathy. Identifiers: MedGen CN119551.
Cardiovascular phenotype. Identifiers: MedGen CN230736.

Allele frequency attached by ClinVar (database versions not stated): gnomAD exomes below 0.00001.
gnomAD v4.1: 1 of 1,610,998 alleles (0.000062%); highest among the groups gnomAD compares: Non-Finnish European, 0.000085%; no homozygotes.

Submissions (2):

Labcorp Genetics (formerly Invitae), Labcorp
Classification: Uncertain significance for ANKRD1-related dilated cardiomyopathy. Last evaluated: 2022-09-22. Review status: criteria provided, single submitter. Criteria: Invitae Variant Classification Sherloc (09022015). Collection method: clinical testing. Allele origin: germline.
Comment: In summary, the available evidence is currently insufficient to determine the role of this variant in disease. Therefore, it has been classified as a Variant of Uncertain Significance. Advanced modeling of protein sequence and biophysical properties (such as structural, functional, and spatial information, amino acid conservation, physicochemical variation, residue mobility, and thermodynamic stability) performed at Invitae indicates that this missense variant is not expected to disrupt ANKRD1 protein function. This variant has not been reported in the literature in individuals affected with ANKRD1-related conditions. This variant is not present in population databases (gnomAD no frequency). This sequence change replaces valine, which is neutral and non-polar, with isoleucine, which is neutral and non-polar, at codon 148 of the ANKRD1 protein (p.Val148Ile).

Ambry Genetics
Classification: Uncertain significance for Cardiovascular phenotype. Last evaluated: 2021-09-16. Review status: criteria provided, single submitter. Criteria: Ambry Variant Classification Scheme 2023. Collection method: clinical testing. Allele origin: germline.

NM_014391.3(ANKRD1):c.442G>A (p.Val148Ile)

Gene: ANKRD1 (ankyrin repeat domain 1; minus strand). Cytogenetic location: 10q23.31.
Variant type: single nucleotide variant.
Coding change: c.442G>A on transcript NM_014391.3 (MANE Select); coding-DNA position 442, G replaced by A.
Protein change: p.Val148Ile; replaces valine 148 with isoleucine.
Molecular consequence: missense variant.
Genome position (GRCh38, 1-based): chr10:90,918,876, C>T on the plus strand (G>A on the coding strand, the complement: ANKRD1 is on the minus strand). VCF-style: chr10-90918876-C-T. GRCh37 (hg19) VCF-style: chr10-92678633-C-T.
Other names: short protein forms V148I.
Identifiers: ClinVar variation 1720076 (VCV001720076.7), dbSNP rs2492960061, ClinGen allele CA377552055.